The following is an entry in ClinVar:

ClinVar aggregate classification (germline): Uncertain significance (1 of 4 stars; one submission).

Conditions:
Congenital adrenal hyperplasia due to cytochrome P450 oxidoreductase deficiency. Also called: DISORDERED STEROIDOGENESIS DUE TO POR DEFICIENCY. Identifiers: Orphanet 95699, MedGen C1860042, MONDO:0013310, OMIM 613571.

Submission:

Labcorp Genetics (formerly Invitae), Labcorp
Classification: Uncertain significance for Congenital adrenal hyperplasia due to cytochrome P450 oxidoreductase deficiency. Last evaluated: 2025-02-24. Review status: criteria provided, single submitter. Criteria: Invitae Variant Classification Sherloc (09022015). Collection method: clinical testing. Allele origin: germline.
Comment: This sequence change replaces valine, which is neutral and non-polar, with glycine, which is neutral and non-polar, at codon 164 of the POR protein (p.Val164Gly). This variant is not present in population databases (gnomAD no frequency). This variant has not been reported in the literature in individuals affected with POR-related conditions. Invitae Evidence Modeling of protein sequence and biophysical properties (such as structural, functional, and spatial information, amino acid conservation, physicochemical variation, residue mobility, and thermodynamic stability) indicates that this missense variant is not expected to disrupt POR protein function with a negative predictive value of 80%. In summary, the available evidence is currently insufficient to determine the role of this variant in disease. Therefore, it has been classified as a Variant of Uncertain Significance.

NM_001395413.1(POR):c.482T>G (p.Val161Gly)

Gene: POR (cytochrome p450 oxidoreductase; plus strand). Cytogenetic location: 7q11.23.
Variant type: single nucleotide variant.
Coding change: c.482T>G on transcript NM_001395413.1 (MANE Select); coding-DNA position 482, T replaced by G.
Protein change: p.Val161Gly; replaces valine 161 with glycine.
Molecular consequence: missense variant.
Genome position (GRCh38, 1-based): chr7:75,980,463, T>G. VCF-style: chr7-75980463-T-G. GRCh37 (hg19) VCF-style: chr7-75609781-T-G.
Other names: c.482T>G, p.Val161Gly (NM_001367562.3, NM_001382657.2, NM_001382658.3 and 2 more transcripts); c.536T>G, p.Val179Gly (NM_001382655.3); short protein forms V161G, V179G.
Identifiers: ClinVar variation 3631623 (VCV003631623.2).
Genomic context (GRCh38, chr7:75,980,463, plus strand): 5'-GTGAGGGAGACCCCACCGACAATGCCCAGGACTTCTACGACTGGCTGCAGGAGACAGACG[T>G]GGATCTCTCTGGGGTCAAGTTCGCGGTGAGTCACCCAGAGACTGCTATGGGCTCCCGGTG-3'
Protein context (NP_001382342.1, residues 151-171): DFYDWLQETD[Val161Gly]DLSGVKFAVF